The following is an entry in ClinVar:

ClinVar aggregate classification (germline): Uncertain significance. Review status: criteria provided, multiple submitters, no conflicts (2 of 4 stars). 2 submissions from 2 submitters: Uncertain significance (2). Last evaluated 2023-12-02.

Conditions:
Dyskeratosis congenita. Identifiers: Orphanet 1775, MedGen C0265965, MONDO:0015780.
Intellectual disability. Also called: Intellectual functioning disability; Intellectual developmental disorder; intellectual disabilities. Identifiers: MedGen C3714756, MeSH D008607, MONDO:0001071, HP:0001249.

Allele frequency attached by ClinVar (database versions not stated): gnomAD exomes below 0.00001.
gnomAD v4.1: 4 of 1,592,624 alleles (0.00025%); highest among the groups gnomAD compares: Non-Finnish European, 0.00034%; no homozygotes.

Submissions (2):

Ambry Genetics
Classification: Uncertain significance for Dyskeratosis congenita. Last evaluated: 2023-12-02. Review status: criteria provided, single submitter. Criteria: Ambry Variant Classification Scheme 2023. Collection method: clinical testing. Allele origin: germline.
Comment: The p.V150L variant (also known as c.448G>C), located in coding exon 2 of the TERT gene, results from a G to C substitution at nucleotide position 448. The valine at codon 150 is replaced by leucine, an amino acid with highly similar properties. This amino acid position is conserved. In addition, this alteration is predicted to be tolerated by in silico analysis. Since supporting evidence is limited at this time, the clinical significance of this alteration remains unclear.

Cambridge Genomics Laboratory, East Genomic Laboratory Hub, NHS Genomic Medicine Service
Classification: Uncertain significance for Intellectual disability. Last evaluated: 2020-01-13. Review status: criteria provided, single submitter. Criteria: ACGS Best Practice Guidelines for Variant Classification in Rare Disease 2020. Collection method: clinical testing. Allele origin: germline. Affected: yes. Observed: 1 variant allele.

NM_198253.3(TERT):c.448G>C (p.Val150Leu)

Gene: TERT (telomerase reverse transcriptase; minus strand). Cytogenetic location: 5p15.33.
Variant type: single nucleotide variant.
Coding change: c.448G>C on transcript NM_198253.3 (MANE Select); coding-DNA position 448, G replaced by C.
Protein change: p.Val150Leu; replaces valine 150 with leucine.
Molecular consequence: missense variant. On other transcripts: non-coding transcript variant (2).
Genome position (GRCh38, 1-based): chr5:1,294,438, C>G on the plus strand (G>C on the coding strand, the complement: TERT is on the minus strand). VCF-style: chr5-1294438-C-G. GRCh37 (hg19) VCF-style: chr5-1294553-C-G.
Other names: c.448G>C, p.Val150Leu (NM_001193376.3, NM_003219.1); short protein forms V150L.
Identifiers: ClinVar variation 3238462 (VCV003238462.2), dbSNP rs1751244550.